The following is an entry in ClinVar:

NM_198129.4(LAMA3):c.2823+2T>A

Gene: LAMA3 (laminin subunit alpha 3; plus strand). Cytogenetic location: 18q11.2.
Variant type: single nucleotide variant.
Coding change: c.2823+2T>A on transcript NM_198129.4 (MANE Select); the canonical splice donor site of the intron after coding-DNA position 2823, T replaced by A.
Molecular consequence: splice donor variant.
Genome position (GRCh38, 1-based): chr18:23,827,469, T>A. VCF-style: chr18-23827469-T-A. GRCh37 (hg19) VCF-style: chr18-21407433-T-A.
Other names: c.2823+2T>A (NM_001127717.4).
Identifiers: ClinVar variation 5005874 (VCV005005874.2).

ClinVar aggregate classification (germline): Likely pathogenic (1 of 4 stars; one submission).

Conditions:
Epidermolysis bullosa, junctional 2A, intermediate. Also called: EPIDERMOLYSIS BULLOSA, JUNCTIONAL 2A, GENERALIZED INTERMEDIATE; EPIDERMOLYSIS BULLOSA, JUNCTIONAL 2A, NON-HERLITZ TYPE. Identifiers: MedGen C5676936, MONDO:0030746, OMIM 619783.
Epidermolysis bullosa, junctional 2B, severe. Also called: EPIDERMOLYSIS BULLOSA, JUNCTIONAL 2B, GENERALIZED SEVERE; EPIDERMOLYSIS BULLOSA, JUNCTIONAL 2B, HERLITZ TYPE. Identifiers: MedGen C5676937, MONDO:0030747, OMIM 619784.
Laryngo-onycho-cutaneous syndrome (JEB2C). Also called: EPIDERMOLYSIS BULLOSA, JUNCTIONAL 2C, LARYNGOONYCHOCUTANEOUS; SHABBIR SYNDROME; LOGIC SYNDROME. Identifiers: Orphanet 2407, MedGen C1328355, MONDO:0009513, OMIM 245660.

gnomAD v4.1: 10 of 1,613,886 alleles (0.00062%); highest among the groups gnomAD compares: East Asian, 0.022%; no homozygotes.

Submission:

Juno Genomics, Hangzhou Juno Genomics, Inc
Classification: Likely pathogenic for Epidermolysis bullosa, junctional 2A, intermediate; Epidermolysis bullosa, junctional 2B, severe; Laryngo-onycho-cutaneous syndrome. Review status: criteria provided, single submitter. Criteria: ACMG Guidelines, 2015. Collection method: clinical testing. Allele origin: germline.
Comment: Null variant in a gene where loss of function (LOF) is a known mechanism of disease.;Absent from controls (or at extremely low frequency if recessive) in Genome Aggregation Database.